The following is an entry in ClinVar:

NM_016507.4(CDK12):c.1690C>G (p.Pro564Ala)

Gene: CDK12 (cyclin dependent kinase 12; plus strand). Cytogenetic location: 17q12.
Variant type: single nucleotide variant.
Coding change: c.1690C>G on transcript NM_016507.4 (MANE Select); coding-DNA position 1690, C replaced by G.
Protein change: p.Pro564Ala; replaces proline 564 with alanine.
Molecular consequence: missense variant.
Genome position (GRCh38, 1-based): chr17:39,471,522, C>G. VCF-style: chr17-39471522-C-G. GRCh37 (hg19) VCF-style: chr17-37627775-C-G.
Other names: c.1690C>G, p.Pro564Ala (NM_015083.4); short protein forms P564A.
Identifiers: ClinVar variation 4224244 (VCV004224244.1).

ClinVar aggregate classification (germline): Uncertain significance (1 of 4 stars; one submission).

gnomAD v4.1: 1 of 1,613,616 alleles (0.000062%); highest among the groups gnomAD compares: Non-Finnish European, 0.000085%; no homozygotes.

Submission:

Ambry Genetics
Classification: Uncertain significance. Last evaluated: 2025-07-01. Review status: criteria provided, single submitter. Criteria: Ambry Variant Classification Scheme 2023. Collection method: clinical testing. Allele origin: germline.
Comment: The p.P564A variant (also known as c.1690C>G), located in coding exon 2 of the CDK12 gene, results from a C to G substitution at nucleotide position 1690. The proline at codon 564 is replaced by alanine, an amino acid with highly similar properties. This amino acid position is conserved. In addition, this alteration is predicted to be tolerated by in silico analysis. Based on the available evidence, the clinical significance of this variant remains unclear.